The following is an entry in ClinVar:

NM_000088.4(COL1A1):c.863_906dup (p.Gly302delinsValSerValProSerSerArgGlyGlnGlyTrpGlyArgArgGlnGlyGlnAspGlyGlyLeuGlyGluGlnGlyCysLeuProSerHisLeuThrSerLeuGlyLeuValValArgAlaAlaTrpGlnProTrpTer)

Genes: COL1A1 (collagen type I alpha 1 chain; minus strand), LOC126862586 (CDK7 strongly-dependent group 2 enhancer GRCh37_chr17:48273702-48274901; plus strand). Cytogenetic location: 17q21.33.
Variant type: Duplication.
Coding change: c.863_906dup on transcript NM_000088.4 (MANE Select); coding-DNA positions 863 to 906, 44 bases duplicated.
Protein change: p.Gly302delinsValSerValProSerSerArgGlyGlnGlyTrpGlyArgArgGlnGlyGlnAspGlyGlyLeuGlyGluGlnGlyCysLeuProSerHisLeuThrSerLeuGlyLeuValValArgAlaAlaTrpGlnProTrpTer.
Molecular consequence: nonsense, splice acceptor variant, splice donor variant.
Genome position: GRCh38: chr17:50,196,365-50,196,524. GRCh37 (hg19): chr17:48,273,726-48,273,885.
Identifiers: ClinVar variation 3717578 (VCV003717578.2).

ClinVar aggregate classification (germline): Pathogenic (1 of 4 stars; one submission).

Conditions:
Osteogenesis imperfecta type I (OI1). Also called: OI, TYPE I; OSTEOGENESIS IMPERFECTA TARDA; OSTEOGENESIS IMPERFECTA WITH BLUE SCLERAE; Osteogenesis imperfecta type 1; Lobstein's Disease; Lobstein disease. Identifiers: Orphanet 216796, Orphanet 666, MedGen C0023931, MONDO:0008146, OMIM 166200. Disease mechanism: loss of function.

Submission:

Labcorp Genetics (formerly Invitae), Labcorp
Classification: Pathogenic for Osteogenesis imperfecta type I. Last evaluated: 2024-09-16. Review status: criteria provided, single submitter. Criteria: Invitae Variant Classification Sherloc (09022015). Collection method: clinical testing. Allele origin: germline.
Comment: This sequence change creates a premature translational stop signal (p.Gly302_Pro303ins14*) in the COL1A1 gene. It is expected to result in an absent or disrupted protein product. Loss-of-function variants in COL1A1 are known to be pathogenic (PMID: 7942841, 9295084, 9443882). This variant is not present in population databases (gnomAD no frequency). This variant has not been reported in the literature in individuals affected with COL1A1-related conditions. For these reasons, this variant has been classified as Pathogenic.

Literature cited by the submitters: PubMed 7942841; PubMed 9295084; PubMed 9443882.